The following is an entry in ClinVar:

NM_006208.3(ENPP1):c.*777C>T

Gene: ENPP1 (ectonucleotide pyrophosphatase/phosphodiesterase 1; plus strand). Cytogenetic location: 6q23.2.
Variant type: single nucleotide variant.
Coding change: c.*777C>T on transcript NM_006208.3 (MANE Select); 777 bases downstream of the stop codon, C replaced by T.
Molecular consequence: 3 prime UTR variant.
Genome position (GRCh38, 1-based): chr6:131,891,288, C>T. VCF-style: chr6-131891288-C-T. GRCh37 (hg19) VCF-style: chr6-132212428-C-T.
Identifiers: ClinVar variation 355373 (VCV000355373.5), dbSNP rs34836463, ClinGen allele CA10625953.

ClinVar aggregate classification (germline): Benign. Review status: criteria provided, single submitter (1 of 4 stars). 2 submissions from 1 submitter: Benign (2). Last evaluated 2018-01-13.

Conditions:
Hypophosphatemic rickets, autosomal recessive, 2 (ARHR2). Identifiers: Orphanet 289176, MedGen C2750078, MONDO:0013219, OMIM 613312.
Arterial calcification, generalized, of infancy, 1 (GACI1). Also called: Idiopathic Infantile Arterial Calcification. Identifiers: Orphanet 51608, MedGen C4551985, MONDO:0008817, OMIM 208000.

Allele frequency attached by ClinVar (database versions not stated): gnomAD exomes 0.06250; gnomAD 0.11710 and 0.12355; 1000 Genomes Project 0.11741; 1000 Genomes Project 30x 0.12383.
gnomAD v4.1: 17,794 of 152,120 alleles (12%); highest among the groups gnomAD compares: African/African-American, 30%; 1,956 homozygotes.

Submissions (2):

Illumina Laboratory Services, Illumina
Classification: Benign for Hypophosphatemic rickets, autosomal recessive, 2. Last evaluated: 2018-01-13. Review status: criteria provided, single submitter. Criteria: ICSL Variant Classification Criteria 13 December 2019. Collection method: clinical testing. Allele origin: germline.
Comment: This variant was observed in the ICSL laboratory as part of a predisposition screen in an ostensibly healthy population. It had not been previously curated by ICSL or reported in the Human Gene Mutation Database (HGMD: prior to June 1st, 2018), and was therefore a candidate for classification through an automated scoring system. Utilizing variant allele frequency, disease prevalence and penetrance estimates, and inheritance mode, an automated score was calculated to assess if this variant is too frequent to cause the disease. Based on the score and internal cut-off values, a variant classified as benign is not then subjected to further curation. The score for this variant resulted in a classification of benign for this disease.

Illumina Laboratory Services, Illumina
Classification: Benign for Arterial calcification, generalized, of infancy, 1. Last evaluated: 2018-01-13. Review status: criteria provided, single submitter. Criteria: ICSL Variant Classification Criteria 13 December 2019. Collection method: clinical testing. Allele origin: germline.
Comment: the same text as in the submission from Illumina Laboratory Services, Illumina above.